The following is an entry in ClinVar:

ClinVar aggregate classification (germline): Uncertain significance (1 of 4 stars; one submission).

gnomAD v4.1: 1 of 1,611,910 alleles (0.000062%); highest among the groups gnomAD compares: South Asian, 0.0011%; no homozygotes.

Submission:

Labcorp Genetics (formerly Invitae), Labcorp
Classification: Uncertain significance. Last evaluated: 2021-10-25. Review status: criteria provided, single submitter. Criteria: Invitae Variant Classification Sherloc (09022015). Collection method: clinical testing. Allele origin: germline.
Comment: This sequence change falls in intron 32 of the SBF1 gene. It does not directly change the encoded amino acid sequence of the SBF1 protein. This variant is present in population databases (rs199878169, ExAC 0.006%). This variant has not been reported in the literature in individuals affected with SBF1-related conditions. Algorithms developed to predict the effect of sequence changes on RNA splicing suggest that this variant may create or strengthen a splice site. In summary, the available evidence is currently insufficient to determine the role of this variant in disease. Therefore, it has been classified as a Variant of Uncertain Significance.

NM_002972.4(SBF1):c.4369-11G>A

Gene: SBF1 (SET binding factor 1; minus strand). Cytogenetic location: 22q13.33.
Variant type: single nucleotide variant.
Coding change: c.4369-11G>A on transcript NM_002972.4 (MANE Select); 11 bases into the intron before coding-DNA position 4369, G replaced by A.
Molecular consequence: intron variant.
Genome position (GRCh38, 1-based): chr22:50,455,420, C>T on the plus strand (G>A on the coding strand, the complement: SBF1 is on the minus strand). VCF-style: chr22-50455420-C-T. GRCh37 (hg19) VCF-style: chr22-50893849-C-T.
Other names: c.4294-11G>A (NM_001365819.1).
Identifiers: ClinVar variation 1512623 (VCV001512623.6), dbSNP rs199878169, ClinGen allele CA10316279.
Genomic context (GRCh38, chr22:50,455,420, plus strand): 5'-TCCAGCGTGCGGTAGAAGGGGTCTGAGAGCAGCTGCACCAAGGATACCACCTGCCAGCAC[C>T]GCCAGGAGGTCAGCGAGGAGCCCGGGAGCCTGGCCCACCCCAGCCCCACGCGCCACACAC-3'